The following is an entry in ClinVar:

ClinVar aggregate classification (germline): Conflicting classifications of pathogenicity. Review status: criteria provided, conflicting classifications (1 of 4 stars). 4 submissions from 4 submitters: Uncertain significance (1); Likely benign (3). Last evaluated 2025-10-17.

Conditions:
SNRNP200-related disorder. Also called: SNRNP200-related condition.
Retinitis pigmentosa (RP). Identifiers: Orphanet 791, MedGen C0035334, MeSH D012174, MONDO:0019200, OMIM 268000. Inheritance: Autosomal dominant, autosomal recessive and X linked inheritance.

Allele frequency attached by ClinVar (database versions not stated): TOPMed 0.00008; 1000 Genomes Project 30x 0.00031; 1000 Genomes Project 0.00040.
gnomAD v4.1: 46 of 1,614,196 alleles (0.0028%); highest among the groups gnomAD compares: East Asian, 0.047%; no homozygotes.

Submissions (4):

Labcorp Genetics (formerly Invitae), Labcorp
Classification: Likely benign. Last evaluated: 2025-10-17. Review status: criteria provided, single submitter. Criteria: Invitae Variant Classification Sherloc (09022015). Collection method: clinical testing. Allele origin: germline.

PreventionGenetics, part of Exact Sciences
Classification: Likely benign for SNRNP200-related condition. Last evaluated: 2025-01-29. Review status: criteria provided, single submitter. Criteria: ACMG Guidelines, 2015. Collection method: clinical testing. Allele origin: germline.
Comment: This variant is classified as likely benign based on ACMG/AMP sequence variant interpretation guidelines (Richards et al. 2015 PMID: 25741868, with internal and published modifications).

Blueprint Genetics
Classification: Likely benign. Last evaluated: 2024-09-23. Review status: criteria provided, single submitter. Criteria: ACMG Guidelines, 2015. Collection method: clinical testing. Allele origin: germline.

Illumina Laboratory Services, Illumina
Classification: Uncertain significance for Retinitis pigmentosa. Last evaluated: 2018-01-13. Review status: criteria provided, single submitter. Criteria: ICSL Variant Classification Criteria 13 December 2019. Collection method: clinical testing. Allele origin: germline.

NM_014014.5(SNRNP200):c.3888C>A (p.Pro1296=)

Gene: SNRNP200 (small nuclear ribonucleoprotein U5 subunit 200; minus strand). Cytogenetic location: 2q11.2.
Variant type: single nucleotide variant.
Coding change: c.3888C>A on transcript NM_014014.5 (MANE Select); coding-DNA position 3888, C replaced by A.
Protein change: p.Pro1296=; no amino-acid change (proline 1296 retained).
Molecular consequence: synonymous variant.
Genome position (GRCh38, 1-based): chr2:96,286,426, G>T on the plus strand (C>A on the coding strand, the complement: SNRNP200 is on the minus strand). VCF-style: chr2-96286426-G-T. GRCh37 (hg19) VCF-style: chr2-96952164-G-T.
Identifiers: ClinVar variation 894915 (VCV000894915.14), dbSNP rs143175658, ClinGen allele CA1778355.